The following is an entry in ClinVar:

ClinVar aggregate classification (germline): Conflicting classifications of pathogenicity. Review status: criteria provided, conflicting classifications (1 of 4 stars). 3 submissions from 3 submitters: Uncertain significance (2); Benign (1). Last evaluated 2026-01-20.

Conditions:
COL11A2-related disorder. Also called: COL11A2-related condition; COL11A2-related disorders.

Allele frequency attached by ClinVar (database versions not stated): ExAC 0.00001; gnomAD exomes 0.00001 and 0.00002; gnomAD 0.00004; TOPMed 0.00005.

Submissions (3):

PreventionGenetics, part of Exact Sciences
Classification: Uncertain significance for COL11A2-related condition. Last evaluated: 2026-01-20. Review status: criteria provided, single submitter. Criteria: ACMG Guidelines, 2015. Collection method: clinical testing. Allele origin: germline.
Comment: The COL11A2 c.4027G>A variant is predicted to result in the amino acid substitution p.Ala1343Thr. To our knowledge, this variant has not been reported in the literature. This variant is reported in 0.013% of alleles in individuals of African descent in gnomAD. At this time, the clinical significance of this variant is uncertain due to the absence of conclusive functional and genetic evidence.

Labcorp Genetics (formerly Invitae), Labcorp
Classification: Benign. Last evaluated: 2025-10-18. Review status: criteria provided, single submitter. Criteria: Invitae Variant Classification Sherloc (09022015). Collection method: clinical testing. Allele origin: germline.

GeneDx
Classification: Uncertain significance. Last evaluated: 2019-10-30. Review status: criteria provided, single submitter. Criteria: GeneDx Variant Classification Process June 2021. Collection method: clinical testing. Allele origin: germline. Affected: yes.
Comment: Not observed at a significant frequency in large population cohorts (Lek et al., 2016); In silico analysis, which includes protein predictors and evolutionary conservation, supports that this variant does not alter protein structure/function; Has not been previously published as pathogenic or benign to our knowledge

NM_080680.3(COL11A2):c.4027G>A (p.Ala1343Thr)

Gene: COL11A2 (collagen type XI alpha 2 chain; minus strand). Cytogenetic location: 6p21.32.
Variant type: single nucleotide variant.
Coding change: c.4027G>A on transcript NM_080680.3 (MANE Select); coding-DNA position 4027, G replaced by A.
Protein change: p.Ala1343Thr; replaces alanine 1343 with threonine.
Molecular consequence: missense variant.
Genome position (GRCh38, 1-based): chr6:33,167,521, C>T on the plus strand (G>A on the coding strand, the complement: COL11A2 is on the minus strand). VCF-style: chr6-33167521-C-T. GRCh37 (hg19) VCF-style: chr6-33135298-C-T.
Other names: c.3706G>A, p.Ala1236Thr (NM_080679.3); c.3769G>A, p.Ala1257Thr (NM_080681.3); short protein forms A1236T, A1257T, A1343T.
Identifiers: ClinVar variation 1214366 (VCV001214366.10), dbSNP rs759017753, ClinGen allele CA3750246.